The following is an entry in ClinVar:

ClinVar aggregate classification (germline): Uncertain significance. Review status: reviewed by expert panel (3 of 4 stars). 18 submissions from 12 submitters: Uncertain significance (1). 17 of the submissions do not count toward it. Last evaluated 2022-12-01.

Conditions:
Geleophysic dysplasia. Identifiers: Orphanet 2623, MedGen C3489726, MONDO:0000127.
Weill-Marchesani syndrome. Also called: WM Syndrome; Mesodermal dysmorphodystrophy congenital. Identifiers: Orphanet 3449, MedGen C0265313, MONDO:0018096.
Marfan syndrome (MFS). Also called: Marfan syndrome, classic; FBN1-Related Marfan Syndrome; Marfan syndrome type 1; Marfan's syndrome; MARFAN SYNDROME, TYPE I. Identifiers: Orphanet 284963, Orphanet 558, MedGen C0024796, MONDO:0007947, OMIM 154700.
Familial thoracic aortic aneurysm and aortic dissection (TAAD). Also called: Thoracic aortic aneurysms and dissections. Identifiers: Orphanet 91387, MedGen C4707243, MONDO:0019625.
Acromicric dysplasia (ACMICD). Also called: Acromicric skeletal dysplasia. Identifiers: Orphanet 969, MedGen C0265287, MONDO:0007055, OMIM 102370.
Ectopia lentis 1, isolated, autosomal dominant (ECTOL1). Identifiers: Orphanet 1885, MedGen C3541518, MONDO:0007514, OMIM 129600.
Stiff skin syndrome (SSKS). Identifiers: Orphanet 2833, MedGen C1861456, MONDO:0008492, OMIM 184900.
FBN1-related disorder. Also called: FBN1-related disorders.

Allele frequency attached by ClinVar (database versions not stated): TOPMed 0.00006; gnomAD exomes 0.00011 and 0.00014; ExAC 0.00004; gnomAD 0.00010 and 0.00011.
gnomAD v4.1: 212 of 1,614,024 alleles (0.013%); highest among the groups gnomAD compares: Non-Finnish European, 0.017%; no homozygotes.

Submissions 1 to 8 of 18:

ClinGen FBN1 Variant Curation Expert Panel, ClinGen
Classification: Uncertain significance for Marfan syndrome. Last evaluated: 2022-12-01. Review status: reviewed by expert panel. Criteria: Assertion Criteria VCEP FBN1 Version 1. Collection method: curation. Allele origin: germline. Inheritance: Autosomal dominant inheritance.
Comment: NM00138 c.4214T>G is a missense variant in FBN1 predicted to cause a substitution of leucine by an arginine at amino acid position 1405. This variant has been reported 14 times in ClinVar: 7 times as likely benign and 7 times as of uncertain significance (Variation ID: 200041). This variant has been reported in the literature and identified by multiple institutions in probands with various features of connective tissue but none with a diagnosis of Marfan syndrome (PMID: 19012347; Mayo Clinic, Bichat Hospital, Universitair Ziekenhuis Gent, Universitair Ziekenhuis Antwerpen). In one family, this variant was found to segregate with mitral valve dystrophy in one family member (Bichat Hospital). This variant has been identified in 0.021% (27/129150) of alleles in the European population in gnomAD v2.1.1 (BS1). Computational prediction and evolutionary conservation anaylsis tools are unclear about this variant predicted impact (REVEL = 0.726 which is below 0.750 threshold). Due to there being insufficient evidence, this variant is classified as uncertain significance for Marfan syndrome based on the ACMG/AMP criteria applied, as specified by the ClinGen FBN1 VCEP: BS1.

Labcorp Genetics (formerly Invitae), Labcorp
Classification: Likely benign for Marfan syndrome; Familial thoracic aortic aneurysm and aortic dissection. Last evaluated: 2026-01-20. Review status: criteria provided, single submitter. Criteria: Invitae Variant Classification Sherloc (09022015). Collection method: clinical testing. Allele origin: germline. Not counted in ClinVar's aggregate classification.

Color Diagnostics, LLC DBA Color Health
Classification: Uncertain significance for Familial thoracic aortic aneurysm and aortic dissection. Last evaluated: 2025-12-11. Review status: criteria provided, single submitter. Criteria: ACMG Guidelines, 2015. Collection method: clinical testing. Allele origin: germline. Not counted in ClinVar's aggregate classification.
Comment: This missense variant replaces leucine with arginine at codon 1405 of the FBN1 protein. Computational prediction is inconclusive regarding the impact of this variant on protein structure and function. To our knowledge, functional studies have not been reported for this variant. This variant has been reported in an individual affected with a connective tissue disease with vascular involvement (PMID: 19012347), recurrent spontaneous coronary dissections (PMID: 25519456), adolescent idiopathic scoliosis (PMID: 26333736), or arterial aneurysm and dissection (PMID: 32938213). This variant has been identified in 212/1614024 chromosomes in the general population by the Genome Aggregation Database (gnomAD). The available evidence is insufficient to determine the role of this variant in disease conclusively. Therefore, this variant is classified as a Variant of Uncertain Significance.

GeneDx
Classification: Uncertain significance. Last evaluated: 2025-10-01. Review status: criteria provided, single submitter. Criteria: GeneDx Variant Classification Process June 2021. Collection method: clinical testing. Allele origin: germline. Affected: yes. Not counted in ClinVar's aggregate classification.
Comment: Does not affect a cysteine or calcium-binding residue within an EGF-like domain or a TGF-binding protein domain of the FBN1 gene; cysteine substitutions in the EGF-like domains represent the majority of pathogenic missense changes associated with FBN1-related disorders (PMID: 12938084); In silico analysis suggests that this missense variant does not alter protein structure/function; This variant is associated with the following publications: (PMID: 24941995, 19012347, 24833718, 32938213, 12938084, 26333736, 25519456)

ARUP Laboratories, Molecular Genetics and Genomics, ARUP Laboratories
Classification: Likely benign. Last evaluated: 2024-10-09. Review status: criteria provided, single submitter. Criteria: ARUP Molecular Germline Variant Investigation Process 2024. Collection method: clinical testing. Allele origin: germline. Not counted in ClinVar's aggregate classification.

All of Us Research Program, National Institutes of Health
Classification: Uncertain significance for Marfan syndrome. Last evaluated: 2024-09-23. Review status: criteria provided, single submitter. Criteria: ACMG Guidelines, 2015. Collection method: clinical testing. Allele origin: germline. Inheritance: Autosomal dominant inheritance. Observed: 38 variant alleles, 38 heterozygotes. Not counted in ClinVar's aggregate classification.
Comment: This missense variant replaces leucine with arginine at codon 1405 of the FBN1 protein. Computational prediction is inconclusive regarding the impact of this variant on protein structure and function (internally defined REVEL score threshold 0.5 < inconclusive < 0.7, PMID: 27666373). To our knowledge, functional studies have not been reported for this variant. This variant has been reported in an individual affected with a connective tissue disease with vascular involvement (PMID: 19012347), recurrent spontaneous coronary dissections (PMID: 25519456), adolescent idiopathic scoliosis (PMID: 26333736), or arterial aneurysm and dissection (PMID: 32938213). This variant has been identified in 31/282836 chromosomes in the general population by the Genome Aggregation Database (gnomAD). The available evidence is insufficient to determine the role of this variant in disease conclusively. Therefore, this variant is classified as a Variant of Uncertain Significance.

This study involves interpretation of variants in research participants for the purpose of population health screening. Participant phenotype was not available at the time of variant classification. Additional details can be found in publication PMID: 35346344, PMCID: PMC8962531

Women's Health and Genetics/Laboratory Corporation of America, LabCorp
Classification: Likely benign. Last evaluated: 2024-09-16. Review status: criteria provided, single submitter. Criteria: LabCorp Variant Classification Summary - May 2015. Collection method: clinical testing. Allele origin: germline. Not counted in ClinVar's aggregate classification.
Comment: Variant summary: FBN1 c.4214T>G (p.Leu1405Arg) results in a non-conservative amino acid change located in the EGF-like domain (IPR000742) of the encoded protein sequence. Three of five in-silico tools predict a damaging effect of the variant on protein function. The variant allele was found at a frequency of 0.00011 in 251436 control chromosomes, predominantly at a frequency of 0.00021 within the Non-Finnish European subpopulation in the gnomAD database. The observed variant frequency within Non-Finnish European control individuals in the gnomAD database is approximately 1.87 fold of the estimated maximal expected allele frequency for a pathogenic variant in FBN1 causing Aortopathy phenotype (0.00011). c.4214T>G has been reported in the literature in a small family with Adoloscent idiopathic scoliosis in two siblings, but no significant features of Marfan syndrome, where it demonstrated incomplete segregation (unaffected mother with the variant) with disease (Buchan_2014, Haller_2015), a patient diagnosed with other connective tissue diseases with vascular involvement, but not Marfan syndrome (Rybczynski_2008), as a reportedly de-novo variant in a patient presenting with recurrent coronary dissections who did not fulfill the Ghent nosology for Marfan syndrome (von Hundelshausen_2015), in a family member of a kindred where the molecular basis of disease was attributed to a different cause, namely, a pathogenic variant in the COL5A1 gene (Richer_2020). These report(s) do not provide unequivocal conclusions about association of the variant with Marfan syndrome and/or an FBN1 associated Aortopathy. To our knowledge, no experimental evidence demonstrating an impact on protein function has been reported. The following publications have been ascertained in the context of this evaluation (PMID: 19012347, 26333736, 24833718, 25519456, 32938213). ClinVar contains an entry for this variant (Variation ID: 200041). Based on the evidence outlined above, the variant was classified as likely benign.

Ambry Genetics
Classification: Likely benign for Familial thoracic aortic aneurysm and aortic dissection. Last evaluated: 2024-08-28. Review status: criteria provided, single submitter. Criteria: Ambry Variant Classification Scheme 2023. Collection method: clinical testing. Allele origin: germline. Not counted in ClinVar's aggregate classification.

NM_000138.5(FBN1):c.4214T>G (p.Leu1405Arg)

Genes: FBN1 (fibrillin 1; minus strand), LOC126862124 (CDK7 strongly-dependent group 2 enhancer GRCh37_chr15:48764566-48765765; plus strand). Cytogenetic location: 15q21.1.
Variant type: single nucleotide variant.
Coding change: c.4214T>G on transcript NM_000138.5 (MANE Select); coding-DNA position 4214, T replaced by G.
Protein change: p.Leu1405Arg; replaces leucine 1405 with arginine.
Molecular consequence: missense variant.
Genome position (GRCh38, 1-based): chr15:48,472,673, A>C on the plus strand (T>G on the coding strand, the complement: FBN1 is on the minus strand). VCF-style: chr15-48472673-A-C. GRCh37 (hg19) VCF-style: chr15-48764870-A-C.
Other names: NM_000138.5(FBN1):c.4214T>G; short protein forms L1405R.
Identifiers: ClinVar variation 200041 (VCV000200041.44), dbSNP rs767606368, ClinGen allele CA014858.
Genomic context (GRCh38, chr15:48,472,673, plus strand): 5'-CCTGGTGCATTGAGGCACTGGCCATTGCCACAGAGATTCAGGTTCTCAGAGCACTCATCA[A>C]GGTCTACAGCCAGAAAGAAACACACGTTACTCTTCCTCGGTTAGGGGCTTTCTAATTCCT-3'
Protein context (NP_000129.3, residues 1395-1415): YTGDGFTCTD[Leu1405Arg]DECSENLNLC